The following is an entry in ClinVar:

ClinVar aggregate classification (germline): Pathogenic (1 of 4 stars; one submission).

Conditions:
Myofibrillar myopathy 5. Also called: Filaminopathy (type); FILAMINOPATHY, AUTOSOMAL DOMINANT. Identifiers: Orphanet 171445, MedGen C1836050, MONDO:0012289, OMIM 609524.
Hypertrophic cardiomyopathy 26. Also called: Cardiomyopathy, familial hypertrophic, 26. Identifiers: Orphanet 75249, MedGen C4310749, MONDO:0014883, OMIM 617047.
Distal myopathy with posterior leg and anterior hand involvement. Also called: WILLIAMS DISTAL MYOPATHY. Identifiers: Orphanet 63273, MedGen C3279722, MONDO:0013550, OMIM 614065.

Submission:

Labcorp Genetics (formerly Invitae), Labcorp
Classification: Pathogenic for Distal myopathy with posterior leg and anterior hand involvement; Myofibrillar myopathy 5; Hypertrophic cardiomyopathy 26. Last evaluated: 2021-11-19. Review status: criteria provided, single submitter. Criteria: Invitae Variant Classification Sherloc (09022015). Collection method: clinical testing. Allele origin: germline.
Comment: For these reasons, this variant has been classified as Pathogenic. This variant has not been reported in the literature in individuals affected with FLNC-related conditions. This variant is not present in population databases (gnomAD no frequency). This sequence change creates a premature translational stop signal (p.Gly1872Leufs*28) in the FLNC gene. It is expected to result in an absent or disrupted protein product. Loss-of-function variants in FLNC are known to be pathogenic (PMID: 27908349).

Literature cited by the submitters: PubMed 27908349.

NM_001458.5(FLNC):c.5613_5635del (p.Gly1872fs)

Genes: FLNC-AS1 (FLNC antisense RNA 1; minus strand), FLNC (filamin C; plus strand). Cytogenetic location: 7q32.1.
Variant type: Deletion.
Coding change: c.5613_5635del on transcript NM_001458.5 (MANE Select); coding-DNA positions 5613 to 5635, 23 bases deleted (TGGCATGGTCAACAAGCCAGCCA).
Protein change: p.Gly1872fs; shifts the reading frame from glycine 1872.
Molecular consequence: frameshift variant.
Genome position (GRCh38, 1-based): chr7:128,851,305-128,851,327, TGGCATGGTCAACAAGCCAGCCA deleted; deleting any 23 consecutive bases within chr7:128,851,300-128,851,327 gives the same sequence; the c. name uses the placement nearest the transcript's 3' end. VCF-style (leftmost placement, unchanged base first): chr7-128851299-GAGCCATGGCATGGTCAACAAGCC-G. GRCh37 (hg19) VCF-style: chr7-128491353-GAGCCATGGCATGGTCAACAAGCC-G.
Other names: c.5514_5536del, p.Gly1839fs (NM_001127487.2); short protein forms G1839fs, G1872fs.
Identifiers: ClinVar variation 1395798 (VCV001395798.6), dbSNP rs2128938382, ClinGen allele CA2573141639.